The following is an entry in ClinVar:

NM_002900.3(RBP3):c.2552C>T (p.Ala851Val)

Gene: RBP3 (retinol binding protein 3; plus strand). Cytogenetic location: 10q11.22.
Variant type: single nucleotide variant.
Coding change: c.2552C>T on transcript NM_002900.3 (MANE Select); coding-DNA position 2552, C replaced by T.
Protein change: p.Ala851Val; replaces alanine 851 with valine.
Molecular consequence: missense variant.
Genome position (GRCh38, 1-based): chr10:47,351,036, C>T. VCF-style: chr10-47351036-C-T. GRCh37 (hg19) VCF-style: chr10-48388326-G-A.
Other names: c.2552C>T (NM_002900.2); short protein forms A851V.
Identifiers: ClinVar variation 1380316 (VCV001380316.5), dbSNP rs782402786, ClinGen allele CA5487256.

ClinVar aggregate classification (germline): Uncertain significance. Review status: criteria provided, multiple submitters, no conflicts (2 of 4 stars). 3 submissions from 3 submitters: Uncertain significance (3). Last evaluated 2024-05-28.

Conditions:
Inborn genetic diseases. Identifiers: MedGen C0950123, MeSH D030342.

Allele frequency attached by ClinVar (database versions not stated): gnomAD 0.00004 and 0.00005; TOPMed 0.00005.

Submissions (3):

Ambry Genetics
Classification: Uncertain significance for Inborn genetic diseases. Last evaluated: 2024-05-28. Review status: criteria provided, single submitter. Criteria: Ambry Variant Classification Scheme 2023. Collection method: clinical testing. Allele origin: germline.

Blueprint Genetics
Classification: Uncertain significance. Last evaluated: 2022-12-21. Review status: criteria provided, single submitter. Criteria: ACMG Guidelines, 2015. Collection method: clinical testing. Allele origin: germline.

Labcorp Genetics (formerly Invitae), Labcorp
Classification: Uncertain significance. Last evaluated: 2022-08-05. Review status: criteria provided, single submitter. Criteria: Invitae Variant Classification Sherloc (09022015). Collection method: clinical testing. Allele origin: germline.
Comment: This sequence change replaces alanine, which is neutral and non-polar, with valine, which is neutral and non-polar, at codon 851 of the RBP3 protein (p.Ala851Val). This variant is present in population databases (rs782402786, gnomAD 0.006%). This variant has not been reported in the literature in individuals affected with RBP3-related conditions. ClinVar contains an entry for this variant (Variation ID: 1380316). Algorithms developed to predict the effect of missense changes on protein structure and function are either unavailable or do not agree on the potential impact of this missense change (SIFT: "Deleterious"; PolyPhen-2: "Possibly Damaging"; Align-GVGD: "Class C0"). In summary, the available evidence is currently insufficient to determine the role of this variant in disease. Therefore, it has been classified as a Variant of Uncertain Significance.